The following is an entry in ClinVar:

ClinVar aggregate classification (germline): Pathogenic (1 of 4 stars; one submission).

Conditions:
Hereditary cancer-predisposing syndrome. Also called: Tumor predisposition; Hereditary Cancer Syndrome; Hereditary neoplastic syndrome; Neoplastic Syndromes, Hereditary. Identifiers: Orphanet 140162, MedGen C0027672, MeSH D009386, MONDO:0015356.

Submission:

Ambry Genetics
Classification: Pathogenic for Hereditary cancer-predisposing syndrome. Last evaluated: 2024-01-05. Review status: criteria provided, single submitter. Criteria: Ambry Variant Classification Scheme 2023. Collection method: clinical testing. Allele origin: germline.
Comment: The p.S2882* pathogenic mutation (also known as c.8645C>G), located in coding exon 58 of the ATM gene, results from a C to G substitution at nucleotide position 8645. This changes the amino acid from a serine to a stop codon within coding exon 58. This alteration is expected to result in loss of function by premature protein truncation or nonsense-mediated mRNA decay. As such, this alteration is interpreted as a disease-causing mutation.

NM_000051.4(ATM):c.8645C>G (p.Ser2882Ter)

Genes: ATM (ATM serine/threonine kinase; plus strand), C11orf65 (chromosome 11 open reading frame 65; minus strand). Cytogenetic location: 11q22.3.
Variant type: single nucleotide variant.
Coding change: c.8645C>G on transcript NM_000051.4 (MANE Select); coding-DNA position 8645, C replaced by G.
Protein change: p.Ser2882Ter; replaces serine 2882 with a stop codon.
Molecular consequence: nonsense. On other transcripts: intron variant (2).
Genome position (GRCh38, 1-based): chr11:108,347,339, C>G. VCF-style: chr11-108347339-C-G. GRCh37 (hg19) VCF-style: chr11-108218066-C-G.
Other names: c.8645C>G, p.Ser2882Ter (NM_001351834.2); c.641-38268G>C (NM_001330368.2); c.695-12047G>C (NM_001351110.2); short protein forms S2882*.
Identifiers: ClinVar variation 3223340 (VCV003223340.1), dbSNP rs1252051440, ClinGen allele CA382521008.